The following is an entry in ClinVar:

NM_022114.4(PRDM16):c.2779C>G (p.His927Asp)

Gene: PRDM16 (PR/SET domain 16; plus strand). Cytogenetic location: 1p36.32.
Variant type: single nucleotide variant.
Coding change: c.2779C>G on transcript NM_022114.4 (MANE Select); coding-DNA position 2779, C replaced by G.
Protein change: p.His927Asp; replaces histidine 927 with aspartic acid.
Molecular consequence: missense variant.
Genome position (GRCh38, 1-based): chr1:3,417,915, C>G. VCF-style: chr1-3417915-C-G. GRCh37 (hg19) VCF-style: chr1-3334479-C-G.
Other names: c.2779C>G, p.His927Asp (NM_199454.3); short protein forms H927D.
Identifiers: ClinVar variation 3611286 (VCV003611286.2).

ClinVar aggregate classification (germline): Uncertain significance (1 of 4 stars; one submission).

Conditions:
Left ventricular noncompaction 8 (LVNC8). Identifiers: Orphanet 154, Orphanet 54260, MedGen C3809288, MONDO:0014152, OMIM 615373.

gnomAD v4.1: 2 of 1,612,384 alleles (0.00012%); highest among the groups gnomAD compares: Non-Finnish European, 0.00017%; no homozygotes.

Submission:

Labcorp Genetics (formerly Invitae), Labcorp
Classification: Uncertain significance for Left ventricular noncompaction 8. Last evaluated: 2024-07-08. Review status: criteria provided, single submitter. Criteria: Invitae Variant Classification Sherloc (09022015). Collection method: clinical testing. Allele origin: germline.
Comment: This sequence change replaces histidine, which is basic and polar, with aspartic acid, which is acidic and polar, at codon 927 of the PRDM16 protein (p.His927Asp). This variant is not present in population databases (gnomAD no frequency). This variant has not been reported in the literature in individuals affected with PRDM16-related conditions. An algorithm developed to predict the effect of missense changes on protein structure and function (PolyPhen-2) suggests that this variant is likely to be tolerated. In summary, the available evidence is currently insufficient to determine the role of this variant in disease. Therefore, it has been classified as a Variant of Uncertain Significance.